The following is an entry in ClinVar:

NM_001286.5(CLCN6):c.2356G>A (p.Asp786Asn)

Gene: CLCN6 (chloride voltage-gated channel 6; plus strand). Cytogenetic location: 1p36.22.
Variant type: single nucleotide variant.
Coding change: c.2356G>A on transcript NM_001286.5 (MANE Select); coding-DNA position 2356, G replaced by A.
Protein change: p.Asp786Asn; replaces aspartic acid 786 with asparagine.
Molecular consequence: missense variant. On other transcripts: non-coding transcript variant (1).
Genome position (GRCh38, 1-based): chr1:11,838,395, G>A. VCF-style: chr1-11838395-G-A. GRCh37 (hg19) VCF-style: chr1-11898452-G-A.
Other names: c.2290G>A, p.Asp764Asn (NM_001256959.2); c.2356G>A (NM_001286.2); short protein forms D764N, D786N.
Identifiers: ClinVar variation 1486703 (VCV001486703.9), dbSNP rs777943239, ClinGen allele CA596814.
Genomic context (GRCh38, chr1:11,838,395, plus strand): 5'-AGCGCCAGCCAGCCGCGCCTCTCCTATGCCGAGATGGCCGAGGACTACCCGCGGTACCCC[G>A]ACATCCACGACCTGGACCTGACGCTGCTCAACCCGCGCATGATCGTGGTGAGAAGGGCTG-3'
Protein context (NP_001277.2, residues 776-796): EMAEDYPRYP[Asp786Asn]IHDLDLTLLN

ClinVar aggregate classification (germline): Uncertain significance. Review status: criteria provided, multiple submitters, no conflicts (2 of 4 stars). 2 submissions from 2 submitters: Uncertain significance (2). Last evaluated 2025-08-09.

Allele frequency attached by ClinVar (database versions not stated): gnomAD exomes below 0.00001 and 0.00001; ExAC 0.00001; gnomAD 0.00001; TOPMed 0.00002.
gnomAD v4.1: 12 of 1,613,704 alleles (0.00074%); highest among the groups gnomAD compares: African/African-American, 0.004%; no homozygotes.

Submissions (2):

Ambry Genetics
Classification: Uncertain significance. Last evaluated: 2025-08-09. Review status: criteria provided, single submitter. Criteria: Ambry Variant Classification Scheme 2023. Collection method: clinical testing. Allele origin: germline.

Labcorp Genetics (formerly Invitae), Labcorp
Classification: Uncertain significance. Last evaluated: 2024-03-10. Review status: criteria provided, single submitter. Criteria: Invitae Variant Classification Sherloc (09022015). Collection method: clinical testing. Allele origin: germline.
Comment: This sequence change replaces aspartic acid, which is acidic and polar, with asparagine, which is neutral and polar, at codon 786 of the CLCN6 protein (p.Asp786Asn). This variant is present in population databases (rs777943239, gnomAD 0.0009%). This variant has not been reported in the literature in individuals affected with CLCN6-related conditions. ClinVar contains an entry for this variant (Variation ID: 1486703). An algorithm developed to predict the effect of missense changes on protein structure and function (PolyPhen-2) suggests that this variant is likely to be tolerated. In summary, the available evidence is currently insufficient to determine the role of this variant in disease. Therefore, it has been classified as a Variant of Uncertain Significance.